The following is an entry in ClinVar:

ClinVar aggregate classification (germline): Uncertain significance (1 of 4 stars; one submission).

Allele frequency attached by ClinVar (database versions not stated): TOPMed 0.00001.
gnomAD v4.1: 1 of 1,614,152 alleles (0.000062%); highest among the groups gnomAD compares: African/African-American, 0.0013%; no homozygotes.

Submission:

Labcorp Genetics (formerly Invitae), Labcorp
Classification: Uncertain significance. Last evaluated: 2024-01-19. Review status: criteria provided, single submitter. Criteria: Invitae Variant Classification Sherloc (09022015). Collection method: clinical testing. Allele origin: germline.
Comment: This sequence change replaces serine, which is neutral and polar, with asparagine, which is neutral and polar, at codon 230 of the TNS2 protein (p.Ser230Asn). This variant is not present in population databases (gnomAD no frequency). This variant has not been reported in the literature in individuals affected with TNS2-related conditions. An algorithm developed to predict the effect of missense changes on protein structure and function (PolyPhen-2) suggests that this variant is likely to be disruptive. In summary, the available evidence is currently insufficient to determine the role of this variant in disease. Therefore, it has been classified as a Variant of Uncertain Significance.

NM_170754.4(TNS2):c.659G>A (p.Ser220Asn)

Gene: TNS2 (tensin 2; plus strand). Cytogenetic location: 12q13.13.
Variant type: single nucleotide variant.
Coding change: c.659G>A on transcript NM_170754.4 (MANE Select); coding-DNA position 659, G replaced by A.
Protein change: p.Ser220Asn; replaces serine 220 with asparagine.
Molecular consequence: missense variant.
Genome position (GRCh38, 1-based): chr12:53,055,653, G>A. VCF-style: chr12-53055653-G-A. GRCh37 (hg19) VCF-style: chr12-53449437-G-A.
Other names: c.659G>A, p.Ser220Asn (NM_001416202.1, NM_001416204.1); c.590G>A, p.Ser197Asn (NM_001416203.1, NM_015319.3); c.287G>A, p.Ser96Asn (NM_198316.2); short protein forms S220N, S197N, S96N.
Identifiers: ClinVar variation 2782382 (VCV002782382.3), dbSNP rs779774250, ClinGen allele CA385004978.
Genomic context (GRCh38, chr12:53,055,653, plus strand): 5'-TGCATGCTCCACCCCTGGACAAGCTGTGCTCCATCTGCAAAGCCATGGAGACATGGCTCA[G>A]TGCTGACCCACAGCACGTGGTCGTACTATACTGCAAGGTGGGCCAGGACCTCGGGTTCCC-3'
Protein context (NP_736610.2, residues 210-230): SICKAMETWL[Ser220Asn]ADPQHVVVLY